The following is an entry in ClinVar:

ClinVar aggregate classification (germline): Likely benign (1 of 4 stars; one submission).

Conditions:
Breast-ovarian cancer, familial, susceptibility to, 2 (BROVCA2). Also called: BRCA2 Hereditary Breast and Ovarian Cancer. Identifiers: Orphanet 145, MedGen C2675520, MONDO:0012933, OMIM 612555. Disease mechanism: loss of function.

gnomAD v4.1: 1 of 1,614,118 alleles (0.000062%); highest among the groups gnomAD compares: Non-Finnish European, 0.000085%; no homozygotes.

Submission:

Cancer Bioinformatics and Tumour Evolution Laboratory, Monash University
Classification: Likely benign for Breast-ovarian cancer, familial, susceptibility to, 2. Last evaluated: 2026-05-01. Review status: criteria provided, single submitter. Criteria: ClinGen BRCA1 and BRCA2 Guidelines, 2024. Collection method: curation. Allele origin: germline. Inheritance: Autosomal dominant inheritance.
Comment: The variant is in the functional domain (DNA Binding domain). BayesDel score is 0.0587186, which means no impact is predicted. Hence, BP4 is applied in accordance with BRCA1 and BRCA2 VCEP guidelines. PMID: 39779857 - SGE to evaluate HDR capacity, performed on human haploid HAP1 cells. All missenses in this codon were benign. PMID: 39779848 - SGE on mES cell to evaluate HDR capacity. All missenses in this position were benign. Based on these functional studies, BS3 is applied.

Literature cited by the submitters: PubMed 39779857.

NM_000059.4(BRCA2):c.9338T>A (p.Ile3113Asn)

Gene: BRCA2 (BRCA2 DNA repair associated; plus strand). Cytogenetic location: 13q13.1.
Variant type: single nucleotide variant.
Coding change: c.9338T>A on transcript NM_000059.4 (MANE Select); coding-DNA position 9338, T replaced by A.
Protein change: p.Ile3113Asn; replaces isoleucine 3113 with asparagine.
Molecular consequence: missense variant. On other transcripts: non-coding transcript variant (1).
Genome position (GRCh38, 1-based): chr13:32,394,770, T>A. VCF-style: chr13-32394770-T-A. GRCh37 (hg19) VCF-style: chr13-32968907-T-A.
Other names: c.9242T>A, p.Ile3081Asn (NM_001406719.1); c.9287T>A, p.Ile3096Asn (NM_001406720.1); c.4406T>A, p.Ile1469Asn (NM_001406721.1); c.2921T>A, p.Ile974Asn (NM_001406722.1); c.9338T>A, p.Ile3113Asn (NM_001432077.1); short protein forms I1469N, I3081N, I3096N, I3113N, I974N.
Identifiers: ClinVar variation 4856479 (VCV004856479.1).
Genomic context (GRCh38, chr13:32,394,770, plus strand): 5'-TGTCAGACGAATGTTACAATTTACTGGCAATAAAGTTTTGGATAGACCTTAATGAGGACA[T>A]TATTAAGCCTCATATGTTAATTGCTGCAAGCAACCTCCAGTGGCGACCAGAATCCAAATC-3'
Protein context (NP_000050.3, residues 3103-3123): IKFWIDLNED[Ile3113Asn]IKPHMLIAAS